The following is an entry in ClinVar:

ClinVar aggregate classification (germline): Uncertain significance (1 of 4 stars; one submission).

Conditions:
Cardiovascular phenotype. Identifiers: MedGen CN230736.

gnomAD v4.1: 8 of 1,592,406 alleles (0.0005%); highest among the groups gnomAD compares: Admixed American, 0.0068%; no homozygotes.

Submission:

Ambry Genetics
Classification: Uncertain significance for Cardiovascular phenotype. Last evaluated: 2025-06-01. Review status: criteria provided, single submitter. Criteria: Ambry Variant Classification Scheme 2023. Collection method: clinical testing. Allele origin: germline.
Comment: The p.R1852C variant (also known as c.5554C>T), located in coding exon 14 of the TNXB gene, results from a C to T substitution at nucleotide position 5554. The arginine at codon 1852 is replaced by cysteine, an amino acid with highly dissimilar properties. This amino acid position is conserved. In addition, this alteration is predicted to be tolerated by in silico analysis. Based on the available evidence, the clinical significance of this variant remains unclear.

NM_001365276.2(TNXB):c.5554C>T (p.Arg1852Cys)

Gene: TNXB (tenascin XB; minus strand). Cytogenetic location: 6p21.33.
Variant type: single nucleotide variant.
Coding change: c.5554C>T on transcript NM_001365276.2 (MANE Select); coding-DNA position 5554, C replaced by T.
Protein change: p.Arg1852Cys; replaces arginine 1852 with cysteine.
Molecular consequence: missense variant.
Genome position (GRCh38, 1-based): chr6:32,069,586, G>A on the plus strand (C>T on the coding strand, the complement: TNXB is on the minus strand). VCF-style: chr6-32069586-G-A. GRCh37 (hg19) VCF-style: chr6-32037363-G-A.
Other names: c.6295C>T, p.Arg2099Cys (NM_001428335.1); c.5554C>T, p.Arg1852Cys (NM_019105.8); short protein forms R1852C, R2099C.
Identifiers: ClinVar variation 3972048 (VCV003972048.1).